The following is an entry in ClinVar:

NM_001848.3(COL6A1):c.2554G>C (p.Ala852Pro)

Gene: COL6A1 (collagen type VI alpha 1 chain; plus strand). Cytogenetic location: 21q22.3.
Variant type: single nucleotide variant.
Coding change: c.2554G>C on transcript NM_001848.3 (MANE Select); coding-DNA position 2554, G replaced by C.
Protein change: p.Ala852Pro; replaces alanine 852 with proline.
Molecular consequence: missense variant.
Genome position (GRCh38, 1-based): chr21:46,003,480, G>C. VCF-style: chr21-46003480-G-C. GRCh37 (hg19) VCF-style: chr21-47423394-G-C.
Other names: short protein forms A852P.
Identifiers: ClinVar variation 284476 (VCV000284476.12), dbSNP rs748327110, ClinGen allele CA10604808.

ClinVar aggregate classification (germline): Uncertain significance. Review status: criteria provided, multiple submitters, no conflicts (2 of 4 stars). 2 submissions from 2 submitters: Uncertain significance (2). Last evaluated 2022-07-22.

Conditions:
Bethlem myopathy 1A. Also called: Bethlem myopathy 1; MYOPATHY, BENIGN CONGENITAL, WITH CONTRACTURES; Bethlem Muscular Dystrophy. Identifiers: Orphanet 610, MedGen CN029274, MONDO:0024530, OMIM 158810.

gnomAD v4.1: 2 of 1,609,544 alleles (0.00012%); highest among the groups gnomAD compares: Admixed American, 0.0033%; no homozygotes.

Submissions (2):

Labcorp Genetics (formerly Invitae), Labcorp
Classification: Uncertain significance for Bethlem myopathy 1A. Last evaluated: 2022-07-22. Review status: criteria provided, single submitter. Criteria: Invitae Variant Classification Sherloc (09022015). Collection method: clinical testing. Allele origin: germline.
Comment: In summary, the available evidence is currently insufficient to determine the role of this variant in disease. Therefore, it has been classified as a Variant of Uncertain Significance. Advanced modeling of protein sequence and biophysical properties (such as structural, functional, and spatial information, amino acid conservation, physicochemical variation, residue mobility, and thermodynamic stability) performed at Invitae indicates that this missense variant is not expected to disrupt COL6A1 protein function. ClinVar contains an entry for this variant (Variation ID: 284476). This missense change has been observed in individual(s) with COL6A1-related conditions (PMID: 30564623). It has also been observed to segregate with disease in related individuals. This variant is not present in population databases (gnomAD no frequency). This sequence change replaces alanine, which is neutral and non-polar, with proline, which is neutral and non-polar, at codon 852 of the COL6A1 protein (p.Ala852Pro).

Eurofins Ntd Llc (ga)
Classification: Uncertain significance. Last evaluated: 2016-01-25. Review status: criteria provided, single submitter. Criteria: EGL Classification Definitions 2015. Collection method: clinical testing. Allele origin: germline. Observed: 1 variant allele, 1 homozygote.

Literature cited by the submitters: PubMed 30564623 (cited by Labcorp Genetics (formerly Invitae), Labcorp).